The following is an entry in ClinVar:

NM_000587.4(C7):c.93del (p.Phe32fs)

Gene: C7 (complement C7; plus strand). Cytogenetic location: 5p13.1.
Variant type: Deletion.
Coding change: c.93del on transcript NM_000587.4 (MANE Select); coding-DNA position 93, one base deleted (C; older notation c.93delC).
Protein change: p.Phe32fs; shifts the reading frame from phenylalanine 32.
Molecular consequence: frameshift variant.
Genome position (GRCh38, 1-based): chr5:40,931,094, C deleted. VCF-style (leftmost placement, unchanged base first): chr5-40931093-AC-A. GRCh37 (hg19) VCF-style: chr5-40931195-AC-A.
Other names: short protein forms F32fs.
Identifiers: ClinVar variation 1453343 (VCV001453343.6), dbSNP rs2111579916, ClinGen allele CA2573139673.

ClinVar aggregate classification (germline): Pathogenic (1 of 4 stars; one submission).

Submission:

Labcorp Genetics (formerly Invitae), Labcorp
Classification: Pathogenic. Last evaluated: 2021-05-03. Review status: criteria provided, single submitter. Criteria: Invitae Variant Classification Sherloc (09022015). Collection method: clinical testing. Allele origin: germline.
Comment: For these reasons, this variant has been classified as Pathogenic. This variant has not been reported in the literature in individuals with C7-related conditions. This variant is not present in population databases (ExAC no frequency). This sequence change creates a premature translational stop signal (p.Phe32Serfs*106) in the C7 gene. It is expected to result in an absent or disrupted protein product. Loss-of-function variants in C7 are known to be pathogenic (PMID: 9856499, 17407100).

Literature cited by the submitters: PubMed 9856499; PubMed 17407100.